The following is an entry in ClinVar:

NM_000455.5(STK11):c.920+2T>C

Gene: STK11 (serine/threonine kinase 11; plus strand). Cytogenetic location: 19p13.3.
Variant type: single nucleotide variant.
Coding change: c.920+2T>C on transcript NM_000455.5 (MANE Select); the canonical splice donor site of the intron after coding-DNA position 920, T replaced by C.
Molecular consequence: splice donor variant.
Genome position (GRCh38, 1-based): chr19:1,222,008, T>C. VCF-style: chr19-1222008-T-C. GRCh37 (hg19) VCF-style: chr19-1222007-T-C.
Other names: c.920+2T>C (NM_001407255.1).
Identifiers: ClinVar variation 2107342 (VCV002107342.4), dbSNP rs2145428911, ClinGen allele CA402951351.

ClinVar aggregate classification (germline): Likely pathogenic (1 of 4 stars; one submission).

Conditions:
Peutz-Jeghers syndrome (PJS). Also called: POLYPOSIS, HAMARTOMATOUS INTESTINAL; POLYPS-AND-SPOTS SYNDROME; Peutz-Jeghers polyposis; Periorificial lentiginosis syndrome. Identifiers: Orphanet 2869, MedGen C0031269, MeSH D010580, MONDO:0008280, OMIM 175200.

Submission:

Labcorp Genetics (formerly Invitae), Labcorp
Classification: Likely pathogenic for Peutz-Jeghers syndrome. Last evaluated: 2022-03-06. Review status: criteria provided, single submitter. Criteria: Invitae Variant Classification Sherloc (09022015). Collection method: clinical testing. Allele origin: germline.
Comment: In summary, the currently available evidence indicates that the variant is pathogenic, but additional data are needed to prove that conclusively. Therefore, this variant has been classified as Likely Pathogenic. This variant has not been reported in the literature in individuals affected with STK11-related conditions. This variant is not present in population databases (gnomAD no frequency). This sequence change affects a donor splice site in intron 7 of the STK11 gene. It is expected to disrupt RNA splicing. Variants that disrupt the donor or acceptor splice site typically lead to a loss of protein function (PMID: 16199547), and loss-of-function variants in STK11 are known to be pathogenic (PMID: 15188174, 16287113).

Literature cited by the submitters: PubMed 16199547; PubMed 15188174; PubMed 16287113.